The following is an entry in ClinVar:

ClinVar aggregate classification (germline): Uncertain significance (1 of 4 stars; one submission).

Conditions:
Microcephaly, normal intelligence and immunodeficiency (NBS). Also called: Ataxia telangiectasia variant V1; Nijmegen breakage syndrome; Microcephaly with normal intelligence immunodeficiency and lymphoreticular malignancies; Nonsyndromal microcephaly autosomal recessive with normal intelligence; Seemanova syndrome 2; IMMUNODEFICIENCY, MICROCEPHALY, AND CHROMOSOMAL INSTABILITY. Identifiers: Orphanet 647, MedGen C0398791, MONDO:0009623, OMIM 251260.

Submission:

Labcorp Genetics (formerly Invitae), Labcorp
Classification: Uncertain significance for Microcephaly, normal intelligence and immunodeficiency. Last evaluated: 2025-07-30. Review status: criteria provided, single submitter. Criteria: Invitae Variant Classification Sherloc (09022015). Collection method: clinical testing. Allele origin: germline.
Comment: This sequence change replaces threonine, which is neutral and polar, with alanine, which is neutral and non-polar, at codon 599 of the NBN protein (p.Thr599Ala). This variant is not present in population databases (gnomAD no frequency). This variant has not been reported in the literature in individuals affected with NBN-related conditions. ClinVar contains an entry for this variant (Variation ID: 239189). An algorithm developed to predict the effect of missense changes on protein structure and function (PolyPhen-2) suggests that this variant is likely to be tolerated. In summary, the available evidence is currently insufficient to determine the role of this variant in disease. Therefore, it has been classified as a Variant of Uncertain Significance.

NM_002485.5(NBN):c.1795A>G (p.Thr599Ala)

Gene: NBN (nibrin; minus strand). Cytogenetic location: 8q21.3.
Variant type: single nucleotide variant.
Coding change: c.1795A>G on transcript NM_002485.5 (MANE Select); coding-DNA position 1795, A replaced by G.
Protein change: p.Thr599Ala; replaces threonine 599 with alanine.
Molecular consequence: missense variant.
Genome position (GRCh38, 1-based): chr8:89,953,294, T>C on the plus strand (A>G on the coding strand, the complement: NBN is on the minus strand). VCF-style: chr8-89953294-T-C. GRCh37 (hg19) VCF-style: chr8-90965522-T-C.
Other names: c.1549A>G, p.Thr517Ala (NM_001024688.3); short protein forms T599A, T517A.
Identifiers: ClinVar variation 239189 (VCV000239189.10), dbSNP rs878854507, ClinGen allele CA10582594.